The following is an entry in ClinVar:

ClinVar aggregate classification (germline): Pathogenic (1 of 4 stars; one submission).

Conditions:
Developmental and epileptic encephalopathy, 9 (DEE9). Also called: Early infantile epileptic encephalopathy 9; EPILEPSY, FEMALE-RESTRICTED, WITH MENTAL RETARDATION; JUBERG-HELLMAN SYNDROME; PCDH19-Related X-Linked Female-Limited Epilepsy with Mental Retardation. Identifiers: Orphanet 101039, Orphanet 2076, MedGen C1848137, MONDO:0010246, OMIM 300088. Disease mechanism: loss of function.

Submission:

Labcorp Genetics (formerly Invitae), Labcorp
Classification: Pathogenic for Developmental and epileptic encephalopathy, 9. Last evaluated: 2025-02-24. Review status: criteria provided, single submitter. Criteria: Invitae Variant Classification Sherloc (09022015). Collection method: clinical testing. Allele origin: germline.
Comment: This sequence change creates a premature translational stop signal (p.Asp230Thrfs*16) in the PCDH19 gene. It is expected to result in an absent or disrupted protein product. Loss-of-function variants in PCDH19 are known to be pathogenic (PMID: 21053371). This variant is not present in population databases (gnomAD no frequency). This variant has not been reported in the literature in individuals affected with PCDH19-related conditions. ClinVar contains an entry for this variant (Variation ID: 855076). For these reasons, this variant has been classified as Pathogenic.

Literature cited by the submitters: PubMed 21053371.

NM_001184880.2(PCDH19):c.687del (p.Asp230fs)

Gene: PCDH19 (protocadherin 19; minus strand). Cytogenetic location: Xq22.1.
Variant type: Deletion.
Coding change: c.687del on transcript NM_001184880.2 (MANE Select); coding-DNA position 687, one base deleted (C; older notation c.687delC).
Protein change: p.Asp230fs; shifts the reading frame from aspartic acid 230.
Molecular consequence: frameshift variant.
Genome position (GRCh38, 1-based): chrX:100,407,911, G deleted on the plus strand (C on the coding strand, the reverse complement: PCDH19 is on the minus strand); the first of 2 consecutive G bases (chrX:100,407,911-100,407,912); deleting either gives the same sequence. VCF-style (leftmost placement, unchanged base first): chrX-100407910-CG-C. GRCh37 (hg19) VCF-style: chrX-99662908-CG-C.
Other names: c.687del, p.Asp230fs (NM_001105243.2, NM_020766.3); short protein forms D230fs.
Identifiers: ClinVar variation 855076 (VCV000855076.8), dbSNP rs1928439511, ClinGen allele CA916083982.